The following is an entry in ClinVar:

NM_001174147.2(LMX1B):c.741+6G>A

Gene: LMX1B (LIM homeobox transcription factor 1 beta; plus strand). Cytogenetic location: 9q33.3.
Variant type: single nucleotide variant.
Coding change: c.741+6G>A on transcript NM_001174147.2 (MANE Select); 6 bases into the intron after coding-DNA position 741, G replaced by A.
Molecular consequence: intron variant.
Genome position (GRCh38, 1-based): chr9:126,693,329, G>A. VCF-style: chr9-126693329-G-A. GRCh37 (hg19) VCF-style: chr9-129455608-G-A.
Other names: c.741+6G>A (NM_001174146.2, NM_002316.4).
Identifiers: ClinVar variation 4734576 (VCV004734576.1).

ClinVar aggregate classification (germline): Uncertain significance (1 of 4 stars; one submission).

Submission:

Labcorp Genetics (formerly Invitae), Labcorp
Classification: Uncertain significance. Last evaluated: 2026-01-01. Review status: criteria provided, single submitter. Criteria: Invitae Variant Classification Sherloc (09022015). Collection method: clinical testing. Allele origin: germline.
Comment: This sequence change falls in intron 4 of the LMX1B gene. It does not directly change the encoded amino acid sequence of the LMX1B protein. It affects a nucleotide within the consensus splice site. This variant is not present in population databases (gnomAD no frequency). This variant has not been reported in the literature in individuals affected with LMX1B-related conditions. Variants that disrupt the consensus splice site are a relatively common cause of aberrant splicing (PMID: 17576681, 9536098). Algorithms developed to predict the effect of sequence changes on RNA splicing suggest that this variant is not likely to affect RNA splicing. In summary, the available evidence is currently insufficient to determine the role of this variant in disease. Therefore, it has been classified as a Variant of Uncertain Significance.

Literature cited by the submitters: PubMed 17576681; PubMed 9536098.